The following is an entry in ClinVar:

ClinVar aggregate classification (germline): Uncertain significance (1 of 4 stars; one submission).

Conditions:
Noonan syndrome 9 (NS9). Identifiers: Orphanet 648, MedGen C4225282, MONDO:0014691, OMIM 616559.

Submission:

Labcorp Genetics (formerly Invitae), Labcorp
Classification: Uncertain significance for Noonan syndrome 9. Last evaluated: 2022-07-06. Review status: criteria provided, single submitter. Criteria: Invitae Variant Classification Sherloc (09022015). Collection method: clinical testing. Allele origin: germline.
Comment: This sequence change replaces proline, which is neutral and non-polar, with serine, which is neutral and polar, at codon 471 of the SOS2 protein (p.Pro471Ser). This variant is not present in population databases (gnomAD no frequency). This variant has not been reported in the literature in individuals affected with SOS2-related conditions. ClinVar contains an entry for this variant (Variation ID: 1502329). Advanced modeling of protein sequence and biophysical properties (such as structural, functional, and spatial information, amino acid conservation, physicochemical variation, residue mobility, and thermodynamic stability) performed at Invitae indicates that this missense variant is not expected to disrupt SOS2 protein function. In summary, the available evidence is currently insufficient to determine the role of this variant in disease. Therefore, it has been classified as a Variant of Uncertain Significance.

NM_006939.4(SOS2):c.1411C>T (p.Pro471Ser)

Gene: SOS2 (SOS Ras/Rho guanine nucleotide exchange factor 2; minus strand). Cytogenetic location: 14q21.3.
Variant type: single nucleotide variant.
Coding change: c.1411C>T on transcript NM_006939.4 (MANE Select); coding-DNA position 1411, C replaced by T.
Protein change: p.Pro471Ser; replaces proline 471 with serine.
Molecular consequence: missense variant.
Genome position (GRCh38, 1-based): chr14:50,159,872, G>A on the plus strand (C>T on the coding strand, the complement: SOS2 is on the minus strand). VCF-style: chr14-50159872-G-A. GRCh37 (hg19) VCF-style: chr14-50626590-G-A.
Other names: short protein forms P471S.
Identifiers: ClinVar variation 1502329 (VCV001502329.6), dbSNP rs1353990634, ClinGen allele CA389645841.